The following is an entry in ClinVar:

ClinVar aggregate classification (germline): Benign. Review status: criteria provided, multiple submitters, no conflicts (2 of 4 stars). 3 submissions from 3 submitters: Benign (2). 1 of the submissions does not count toward it. Last evaluated 2026-01-27.

Conditions:
CELSR2-related disorder. Also called: CELSR2-related condition.

Allele frequency attached by ClinVar (database versions not stated): 1000 Genomes Project 30x 0.01796; ESP Exome Variant Server 0.00038; TOPMed 0.00667; 1000 Genomes Project 0.01757.
gnomAD v4.1: 5,649 of 1,614,006 alleles (0.35%); highest among the groups gnomAD compares: Admixed American, 6.7%; 218 homozygotes.

Submissions (3):

Labcorp Genetics (formerly Invitae), Labcorp
Classification: Benign. Last evaluated: 2026-01-27. Review status: criteria provided, single submitter. Criteria: Invitae Variant Classification Sherloc (09022015). Collection method: clinical testing. Allele origin: germline.

Breakthrough Genomics
Classification: Benign. Review status: criteria provided, single submitter. Criteria: ACMG Guidelines, 2015. Collection method: not provided. Allele origin: germline. Inheritance: Unknown mechanism. Affected: yes.

PreventionGenetics, part of Exact Sciences
Classification: Benign for CELSR2-related condition. Last evaluated: 2019-05-27. Review status: no assertion criteria provided. Collection method: clinical testing. Allele origin: germline. Not counted in ClinVar's aggregate classification.
Comment: This variant is classified as benign based on ACMG/AMP sequence variant interpretation guidelines (Richards et al. 2015 PMID: 25741868, with internal and published modifications).

NM_001408.3(CELSR2):c.1150G>T (p.Ala384Ser)

Gene: CELSR2 (cadherin EGF LAG seven-pass G-type receptor 2; plus strand). Cytogenetic location: 1p13.3.
Variant type: single nucleotide variant.
Coding change: c.1150G>T on transcript NM_001408.3 (MANE Select); coding-DNA position 1150, G replaced by T.
Protein change: p.Ala384Ser; replaces alanine 384 with serine.
Molecular consequence: missense variant.
Genome position (GRCh38, 1-based): chr1:109,251,229, G>T. VCF-style: chr1-109251229-G-T. GRCh37 (hg19) VCF-style: chr1-109793851-G-T.
Other names: short protein forms A384S.
Identifiers: ClinVar variation 778235 (VCV000778235.11), dbSNP rs149311467, ClinGen allele CA986515.